The following is an entry in ClinVar:

ClinVar aggregate classification (germline): Uncertain significance. Review status: criteria provided, multiple submitters, no conflicts (2 of 4 stars). 7 submissions from 7 submitters: Uncertain significance (6). 1 of the submissions does not count toward it. Last evaluated 2025-11-13.

Conditions:
Familial adenomatous polyposis 3. Also called: NTHL1-Related Adenomatous Polyposis and Colorectal Cancer; NTHL1-associated polyposis; NTHL1-related attenuated familial adenomatous polyposis; NTHL1 Tumor Syndrome. Identifiers: Orphanet 220460, Orphanet 454840, MedGen C4225157, MONDO:0014630, OMIM 616415.
NTHL1-related disorder. Also called: NTHL1-related conditions; NTHL1-related condition.
Hereditary cancer-predisposing syndrome. Also called: Tumor predisposition; Neoplastic Syndromes, Hereditary; Hereditary Cancer Syndrome; Hereditary neoplastic syndrome. Identifiers: Orphanet 140162, MedGen C0027672, MeSH D009386, MONDO:0015356.

Allele frequency attached by ClinVar (database versions not stated): ExAC 0.00002; gnomAD 0.00002 and 0.00001; gnomAD exomes 0.00001 and 0.00002; TOPMed 0.00002.
gnomAD v4.1: 14 of 1,610,088 alleles (0.00087%); highest among the groups gnomAD compares: African/African-American, 0.0067%; no homozygotes.

Submissions (7):

Labcorp Genetics (formerly Invitae), Labcorp
Classification: Uncertain significance. Last evaluated: 2025-11-13. Review status: criteria provided, single submitter. Criteria: Invitae Variant Classification Sherloc (09022015). Collection method: clinical testing. Allele origin: germline.
Comment: This sequence change replaces threonine, which is neutral and polar, with methionine, which is neutral and non-polar, at codon 171 of the NTHL1 protein (p.Thr171Met). This variant is present in population databases (rs766136810, gnomAD 0.01%). This missense change has been observed in individual(s) with breast cancer and/or serrated polyposis syndrome (PMID: 33980861, 35128723). ClinVar contains an entry for this variant (Variation ID: 661437). An algorithm developed to predict the effect of missense changes on protein structure and function outputs the following: PolyPhen-2: "Benign". The methionine amino acid residue is found in multiple mammalian species, which suggests that this missense change does not adversely affect protein function. In summary, the available evidence is currently insufficient to determine the role of this variant in disease. Therefore, it has been classified as a Variant of Uncertain Significance.

Ambry Genetics
Classification: Uncertain significance for Hereditary cancer-predisposing syndrome. Last evaluated: 2025-01-14. Review status: criteria provided, single submitter. Criteria: Ambry Variant Classification Scheme 2023. Collection method: clinical testing. Allele origin: germline.
Comment: The p.T171M variant (also known as c.512C>T), located in coding exon 3 of the NTHL1 gene, results from a C to T substitution at nucleotide position 512. The threonine at codon 171 is replaced by methionine, an amino acid with similar properties. This variant has been reported in an individual diagnosed with serrated polyposis syndrome (Murphy A et al. J Gastroenterol Hepatol. 2022 May;37:861-869). This amino acid position is not well conserved in available vertebrate species. In addition, this alteration is predicted to be tolerated by in silico analysis. Based on the available evidence, the clinical significance of this variant remains unclear.

Quest Diagnostics Nichols Institute San Juan Capistrano
Classification: Uncertain significance. Last evaluated: 2024-05-03. Review status: criteria provided, single submitter. Criteria: Quest Diagnostics criteria. Collection method: clinical testing. Allele origin: unknown.
Comment: The NTHL1 c.512C>T (p.Thr171Met) variant has been reported in the published literature in individuals affected with serrated polyposis syndrome (PMID: 35128723 (2022)) and breast cancer (PMID: 33980861 (2021)). The frequency of this variant in the general population, 0.000016 (4/247666 chromosomes (Genome Aggregation Database)), is uninformative in the assessment of its pathogenicity. Analysis of this variant using bioinformatics tools for the prediction of the effect of amino acid changes on protein structure and function yielded predictions that this variant is benign. Based on the available information, we are unable to determine the clinical significance of this variant.

Fulgent Genetics
Classification: Uncertain significance for Familial adenomatous polyposis 3. Last evaluated: 2024-01-11. Review status: criteria provided, single submitter. Criteria: ACMG Guidelines, 2015. Collection method: clinical testing. Allele origin: germline.

Baylor Genetics
Classification: Uncertain significance for Familial adenomatous polyposis 3. Last evaluated: 2023-10-15. Review status: criteria provided, single submitter. Criteria: ACMG Guidelines, 2015. Collection method: clinical testing. Allele origin: unknown.

GeneDx
Classification: Uncertain significance. Last evaluated: 2019-08-20. Review status: criteria provided, single submitter. Criteria: GeneDx Variant Classification Process June 2021. Collection method: clinical testing. Allele origin: germline. Affected: yes.
Comment: Not observed at a significant frequency in large population cohorts (Lek 2016); In silico analysis, which includes protein predictors and evolutionary conservation, supports that this variant does not alter protein structure/function; Has not been previously published as pathogenic or benign to our knowledge; This variant is associated with the following publications: (PMID: 27149842)

PreventionGenetics, part of Exact Sciences
Classification: Uncertain significance for NTHL1-related condition. Last evaluated: 2024-04-11. Review status: no assertion criteria provided. Collection method: clinical testing. Allele origin: germline. Not counted in ClinVar's aggregate classification.
Comment: The NTHL1 c.512C>T variant is predicted to result in the amino acid substitution p.Thr171Met. This variant has been reported in an individual with a history of breast cancer and an individual with a history of serrated polyposis syndrome (Supplementary Table 2, Li et al. 2021. PubMed ID: 33980861; Table 4, Murphy et al. 2022. PubMed ID: 35128723). This variant is reported in 0.012% of alleles in individuals of African descent in gnomAD. In ClinVar, this variant is interpreted as uncertain. At this time, the clinical significance of this variant is uncertain due to the absence of conclusive functional and genetic evidence.

Literature cited by the submitters: PubMed 33980861 (cited by Labcorp Genetics (formerly Invitae), Labcorp and Quest Diagnostics Nichols Institute San Juan Capistrano); PubMed 35128723 (cited by 3 submitters).

NM_002528.7(NTHL1):c.488C>T (p.Thr163Met)

Gene: NTHL1 (nth like DNA glycosylase 1; minus strand). Cytogenetic location: 16p13.3.
Variant type: single nucleotide variant.
Coding change: c.488C>T on transcript NM_002528.7 (MANE Select); coding-DNA position 488, C replaced by T.
Protein change: p.Thr163Met; replaces threonine 163 with methionine.
Molecular consequence: missense variant. On other transcripts: intron variant (1).
Genome position (GRCh38, 1-based): chr16:2,044,667, G>A on the plus strand (C>T on the coding strand, the complement: NTHL1 is on the minus strand). VCF-style: chr16-2044667-G-A. GRCh37 (hg19) VCF-style: chr16-2094668-G-A.
Other names: c.158C>T, p.Thr53Met (NM_001318194.2); c.355-941C>T (NM_001318193.2); c.488C>T, p.Thr163Met (LRG_1366t1); short protein forms T53M, T163M.
Identifiers: ClinVar variation 661437 (VCV000661437.18), dbSNP rs766136810, ClinGen allele CA7828243.